The following is an entry in ClinVar:

ClinVar aggregate classification (germline): Uncertain significance (1 of 4 stars; one submission).

Allele frequency attached by ClinVar (database versions not stated): gnomAD exomes below 0.00001 and 0.00001; ExAC 0.00002.
gnomAD v4.1: 4 of 1,613,708 alleles (0.00025%); highest among the groups gnomAD compares: East Asian, 0.0022%; no homozygotes.

Submission:

Labcorp Genetics (formerly Invitae), Labcorp
Classification: Uncertain significance. Last evaluated: 2024-10-14. Review status: criteria provided, single submitter. Criteria: Invitae Variant Classification Sherloc (09022015). Collection method: clinical testing. Allele origin: germline.
Comment: This sequence change replaces arginine, which is basic and polar, with histidine, which is basic and polar, at codon 150 of the EFL1 protein (p.Arg150His). This variant is present in population databases (rs767883960, gnomAD 0.01%). This variant has not been reported in the literature in individuals affected with EFL1-related conditions. ClinVar contains an entry for this variant (Variation ID: 1491902). Invitae Evidence Modeling of protein sequence and biophysical properties (such as structural, functional, and spatial information, amino acid conservation, physicochemical variation, residue mobility, and thermodynamic stability) indicates that this missense variant is expected to disrupt EFL1 protein function with a positive predictive value of 80%. In summary, the available evidence is currently insufficient to determine the role of this variant in disease. Therefore, it has been classified as a Variant of Uncertain Significance.

NM_024580.6(EFL1):c.449G>A (p.Arg150His)

Gene: EFL1 (elongation factor like GTPase 1; minus strand). Cytogenetic location: 15q25.2.
Variant type: single nucleotide variant.
Coding change: c.449G>A on transcript NM_024580.6 (MANE Select); coding-DNA position 449, G replaced by A.
Protein change: p.Arg150His; replaces arginine 150 with histidine.
Molecular consequence: missense variant. On other transcripts: 5 prime UTR variant (1), non-coding transcript variant (1).
Genome position (GRCh38, 1-based): chr15:82,240,485, C>T on the plus strand (G>A on the coding strand, the complement: EFL1 is on the minus strand). VCF-style: chr15-82240485-C-T. GRCh37 (hg19) VCF-style: chr15-82532826-C-T.
Other names: c.296G>A, p.Arg99His (NM_001040610.3); c.-341G>A (NM_001322844.2); c.449G>A, p.Arg150His (NM_001322845.2); short protein forms R150H, R99H.
Identifiers: ClinVar variation 1491902 (VCV001491902.8), dbSNP rs767883960, ClinGen allele CA7698273.